The following is an entry in ClinVar:

ClinVar aggregate classification (germline): Benign (1 of 4 stars; one submission).

Conditions:
Multiple endocrine neoplasia, type 1 (MEN1). Also called: MEN I; WERMER SYNDROME; Endocrine adenomatosis multiple; MEN 1; MEA I. Identifiers: Orphanet 652, MedGen C0025267, MeSH D018761, MONDO:0007540, OMIM 131100.

Submission:

Myriad Genetics, Inc.
Classification: Benign for Multiple endocrine neoplasia, type 1. Last evaluated: 2024-10-31. Review status: criteria provided, single submitter. Criteria: Myriad Autosomal Dominant, Autosomal Recessive and X-Linked Classification Criteria (2023). Collection method: clinical testing. Allele origin: unknown.
Comment: This variant is considered benign. This variant is a silent/synonymous amino acid change and it is not expected to impact splicing.

NM_001370259.2(MEN1):c.207C>T (p.Pro69=)

Gene: MEN1 (menin 1; minus strand). Cytogenetic location: 11q13.1.
Variant type: single nucleotide variant.
Coding change: c.207C>T on transcript NM_001370259.2 (MANE Select); coding-DNA position 207, C replaced by T.
Protein change: p.Pro69=; no amino-acid change (proline 69 retained).
Molecular consequence: synonymous variant. On other transcripts: non-coding transcript variant (4).
Genome position (GRCh38, 1-based): chr11:64,809,903, G>A on the plus strand (C>T on the coding strand, the complement: MEN1 is on the minus strand). VCF-style: chr11-64809903-G-A. GRCh37 (hg19) VCF-style: chr11-64577375-G-A.
Other names: c.207C>T, p.Pro69= (NM_001407151.1, NM_001407152.1, NM_130799.3 and 20 more transcripts).
Identifiers: ClinVar variation 3773414 (VCV003773414.1).